The following is an entry in ClinVar:

NM_005506.4(SCARB2):c.994+2T>C

Gene: SCARB2 (scavenger receptor class B member 2; minus strand). Cytogenetic location: 4q21.1.
Variant type: single nucleotide variant.
Coding change: c.994+2T>C on transcript NM_005506.4 (MANE Select); the canonical splice donor site of the intron after coding-DNA position 994, T replaced by C.
Molecular consequence: splice donor variant.
Genome position (GRCh38, 1-based): chr4:76,174,142, A>G on the plus strand (T>C on the coding strand, the complement: SCARB2 is on the minus strand). VCF-style: chr4-76174142-A-G. GRCh37 (hg19) VCF-style: chr4-77095295-A-G.
Other names: c.565+2T>C (NM_001204255.2).
Identifiers: ClinVar variation 1179028 (VCV001179028.2), dbSNP rs1168653552, ClinGen allele CA357315429.

ClinVar aggregate classification (germline): Likely pathogenic (1 of 4 stars; one submission).

Conditions:
Action myoclonus-renal failure syndrome. Also called: SCARB2-Related Action Myoclonus-Renal Failure Syndrome; MYOCLONUS-NEPHROPATHY SYNDROME; EPILEPSY, PROGRESSIVE MYOCLONIC, 4, WITH RENAL FAILURE; EPILEPSY, PROGRESSIVE MYOCLONIC, 4, WITHOUT RENAL FAILURE. Identifiers: Orphanet 163696, MedGen C0751779, MeSH D020191, MONDO:0009699, OMIM 254900.

Allele frequency attached by ClinVar (database versions not stated): gnomAD exomes below 0.00001; gnomAD 0.00001.
gnomAD v4.1: 5 of 1,613,452 alleles (0.00031%); highest among the groups gnomAD compares: African/African-American, 0.0013%; no homozygotes.

Submission:

Fulgent Genetics
Classification: Likely pathogenic for Action myoclonus-renal failure syndrome. Last evaluated: 2021-06-30. Review status: criteria provided, single submitter. Criteria: ACMG Guidelines, 2015. Collection method: clinical testing. Allele origin: unknown.
Comment: This variant has been detected in individual(s) who were sent for testing of Renasight - kidney gene panel.